The following is an entry in ClinVar:

NM_213599.3(ANO5):c.1283C>A (p.Pro428Gln)

Gene: ANO5 (anoctamin 5; plus strand). Cytogenetic location: 11p14.3.
Variant type: single nucleotide variant.
Coding change: c.1283C>A on transcript NM_213599.3 (MANE Select); coding-DNA position 1283, C replaced by A.
Protein change: p.Pro428Gln; replaces proline 428 with glutamine.
Molecular consequence: missense variant.
Genome position (GRCh38, 1-based): chr11:22,255,473, C>A. VCF-style: chr11-22255473-C-A. GRCh37 (hg19) VCF-style: chr11-22277019-C-A.
Other names: c.1238C>A, p.Pro413Gln (NM_001410964.1, NM_001441301.1); c.1205C>A, p.Pro402Gln (NM_001441294.1); c.1202C>A, p.Pro401Gln (NM_001441295.1); c.1190C>A, p.Pro397Gln (NM_001441296.1, NM_001441302.1); c.1163C>A, p.Pro388Gln (NM_001441297.1); c.1127C>A, p.Pro376Gln (NM_001441298.1); c.1124C>A, p.Pro375Gln (NM_001441299.1); c.1241C>A, p.Pro414Gln (NM_001441300.1, NM_001410963.1); and 1 more; short protein forms P402Q, P428Q, P375Q, P388Q, P413Q, P414Q, P376Q, P397Q.
Identifiers: ClinVar variation 4793192 (VCV004793192.1).

ClinVar aggregate classification (germline): Uncertain significance (1 of 4 stars; one submission).

Conditions:
Gnathodiaphyseal dysplasia (GDD). Also called: GNATHODIAPHYSEAL SCLEROSIS; OSTEOGENESIS IMPERFECTA WITH UNUSUAL SKELETAL LESIONS. Identifiers: Orphanet 53697, MedGen C1833736, MONDO:0008151, OMIM 166260.
Autosomal recessive limb-girdle muscular dystrophy type 2L (LGMDR12). Also called: Limb-girdle muscular dystrophy, type 2L; MUSCULAR DYSTROPHY, LIMB-GIRDLE, AUTOSOMAL RECESSIVE 12; Limb-Girdle Muscular Dystrophy R12 Anoctamin-5-Related (LGMD-R12). Identifiers: Orphanet 206549, MedGen C1969785, MONDO:0012652, OMIM 611307.

Submission:

Labcorp Genetics (formerly Invitae), Labcorp
Classification: Uncertain significance for Autosomal recessive limb-girdle muscular dystrophy type 2L; Gnathodiaphyseal dysplasia. Last evaluated: 2025-08-01. Review status: criteria provided, single submitter. Criteria: Invitae Variant Classification Sherloc (09022015). Collection method: clinical testing. Allele origin: germline.
Comment: This sequence change replaces proline, which is neutral and non-polar, with glutamine, which is neutral and polar, at codon 428 of the ANO5 protein (p.Pro428Gln). This variant is not present in population databases (gnomAD no frequency). This variant has not been reported in the literature in individuals affected with ANO5-related conditions. Invitae Evidence Modeling of protein sequence and biophysical properties (such as structural, functional, and spatial information, amino acid conservation, physicochemical variation, residue mobility, and thermodynamic stability) indicates that this missense variant is expected to disrupt ANO5 protein function with a positive predictive value of 95%. In summary, the available evidence is currently insufficient to determine the role of this variant in disease. Therefore, it has been classified as a Variant of Uncertain Significance.